The following is an entry in ClinVar:

NM_020911.2(PLXNA4):c.3175G>A (p.Ala1059Thr)

Gene: PLXNA4 (plexin A4; minus strand). Cytogenetic location: 7q32.3.
Variant type: single nucleotide variant.
Coding change: c.3175G>A on transcript NM_020911.2 (MANE Select); coding-DNA position 3175, G replaced by A.
Protein change: p.Ala1059Thr; replaces alanine 1059 with threonine.
Molecular consequence: missense variant.
Genome position (GRCh38, 1-based): chr7:132,182,174, C>T on the plus strand (G>A on the coding strand, the complement: PLXNA4 is on the minus strand). VCF-style: chr7-132182174-C-T. GRCh37 (hg19) VCF-style: chr7-131866933-C-T.
Other names: c.3175G>A, p.Ala1059Thr (NM_001393897.1); short protein forms A1059T.
Identifiers: ClinVar variation 3346329 (VCV003346329.2).
Genomic context (GRCh38, chr7:132,182,174, plus strand): 5'-CTCCATGCTTGGCACGGATCTGGGGGTTCTGTATGAGGTCCAGGTGGGTCCCCCATACGG[C>T]GATGGGTGTGTTTCCACTGAGCAGGAAGAAAGAAGGAGATGTGTAAATGATAAGTTCAGG-3'
Protein context (NP_065962.1, residues 1049-1069): WSIVSGNTPI[Ala1059Thr]VWGTHLDLIQ

ClinVar aggregate classification (germline): Uncertain significance (1 of 4 stars; one submission).

Conditions:
PLXNA4-related disorder. Also called: PLXNA4-related condition.

Submission:

PreventionGenetics, part of Exact Sciences
Classification: Uncertain significance for PLXNA4-related condition. Last evaluated: 2026-03-26. Review status: criteria provided, single submitter. Criteria: ACMG Guidelines, 2015. Collection method: clinical testing. Allele origin: germline.
Comment: The PLXNA4 c.3175G>A variant is predicted to result in the amino acid substitution p.Ala1059Thr. To our knowledge, this variant has not been reported in the literature. This variant is reported in 0.026% of alleles in individuals of European (non-Finnish) descent in gnomAD. At this time, the clinical significance of this variant is uncertain due to the absence of conclusive functional and genetic evidence.